The following is an entry in ClinVar:

ClinVar aggregate classification (germline): Uncertain significance (1 of 4 stars; one submission).

Conditions:
Cohen syndrome (COH1). Also called: Cutis verticis gyrata, retinitis pigmentosa, and sensorineural deafness; PEPPER SYNDROME. Identifiers: Orphanet 193, MedGen C0265223, MONDO:0008999, OMIM 216550.

gnomAD v4.1: 1 of 1,614,020 alleles (0.000062%); highest among the groups gnomAD compares: Non-Finnish European, 0.000085%; no homozygotes.

Submission:

Labcorp Genetics (formerly Invitae), Labcorp
Classification: Uncertain significance for Cohen syndrome. Last evaluated: 2022-05-19. Review status: criteria provided, single submitter. Criteria: Invitae Variant Classification Sherloc (09022015). Collection method: clinical testing. Allele origin: germline.
Comment: In summary, the available evidence is currently insufficient to determine the role of this variant in disease. Therefore, it has been classified as a Variant of Uncertain Significance. This variant has not been reported in the literature in individuals affected with VPS13B-related conditions. Algorithms developed to predict the effect of missense changes on protein structure and function are either unavailable or do not agree on the potential impact of this missense change (SIFT: "Not Available"; PolyPhen-2: "Possibly Damaging"; Align-GVGD: "Not Available"). This sequence change replaces tyrosine, which is neutral and polar, with phenylalanine, which is neutral and non-polar, at codon 609 of the VPS13B protein (p.Tyr609Phe). This variant is not present in population databases (gnomAD no frequency).

NM_152564.5(VPS13B):c.1826A>T (p.Tyr609Phe)

Gene: VPS13B (vacuolar protein sorting 13 homolog B; plus strand). Cytogenetic location: 8q22.2.
Variant type: single nucleotide variant.
Coding change: c.1826A>T on transcript NM_152564.5 (MANE Select); coding-DNA position 1826, A replaced by T.
Protein change: p.Tyr609Phe; replaces tyrosine 609 with phenylalanine.
Molecular consequence: missense variant.
Genome position (GRCh38, 1-based): chr8:99,143,148, A>T. VCF-style: chr8-99143148-A-T. GRCh37 (hg19) VCF-style: chr8-100155376-A-T.
Other names: c.1826A>T, p.Tyr609Phe (NM_015243.3, NM_017890.5); short protein forms Y609F.
Identifiers: ClinVar variation 1996323 (VCV001996323.4), dbSNP rs2488786644, ClinGen allele CA371864171.
Genomic context (GRCh38, chr8:99,143,148, plus strand): 5'-GTGCGGTGCATAGGATTTTGAAAATGATTGTGTGTGCCTTGGAACATGAATATGAACCAT[A>T]TAGCAGGCTAAAATCAGGTTTGTTTCTGGATTAATTTTGAATCTTTTGCCATTTGTTTTG-3'
Protein context (NP_689777.3, residues 599-619): VCALEHEYEP[Tyr609Phe]SRLKSDIKDE